The following is an entry in ClinVar:

NM_004168.4(SDHA):c.949A>G (p.Ile317Val)

Gene: SDHA (succinate dehydrogenase complex flavoprotein subunit A; plus strand). Cytogenetic location: 5p15.33.
Variant type: single nucleotide variant.
Coding change: c.949A>G on transcript NM_004168.4 (MANE Select); coding-DNA position 949, A replaced by G.
Protein change: p.Ile317Val; replaces isoleucine 317 with valine.
Molecular consequence: missense variant.
Genome position (GRCh38, 1-based): chr5:233,530, A>G. VCF-style: chr5-233530-A-G. GRCh37 (hg19) VCF-style: chr5-233645-A-G.
Other names: c.805A>G, p.Ile269Val (NM_001294332.2); c.949A>G, p.Ile317Val (NM_001330758.2); short protein forms I269V, I317V.
Identifiers: ClinVar variation 2951596 (VCV002951596.3), dbSNP rs2477348987, ClinGen allele CA359012653.
Genomic context (GRCh38, chr5:233,530, plus strand): 5'-TTTGCAGGCATATATGGTGCTGGTTGTCTCATTACGGAAGGATGTCGTGGAGAGGGAGGC[A>G]TTCTCATTAACAGTCAAGGCGAAAGGTTTATGGAGCGATACGCCCCTGTCGCGAAGGACC-3'
Protein context (NP_004159.2, residues 307-327): ITEGCRGEGG[Ile317Val]LINSQGERFM

ClinVar aggregate classification (germline): Uncertain significance (1 of 4 stars; one submission).

Conditions:
Mitochondrial complex II deficiency, nuclear type 1. Also called: SUCCINATE CoQ REDUCTASE DEFICIENCY. Identifiers: Orphanet 3208, MedGen C5700310, MONDO:0100294, OMIM 252011.
Pheochromocytoma/paraganglioma syndrome 5. Also called: Paragangliomas 5; SDHA-Related Hereditary Paraganglioma-Pheochromocytoma Syndrome. Identifiers: Orphanet 29072, MedGen C3279992, MONDO:0013602, OMIM 614165.

Allele frequency attached by ClinVar (database versions not stated): gnomAD exomes below 0.00001.
gnomAD v4.1: 1 of 1,614,218 alleles (0.000062%); highest among the groups gnomAD compares: Non-Finnish European, 0.000085%; no homozygotes.

Submission:

Labcorp Genetics (formerly Invitae), Labcorp
Classification: Uncertain significance for Pheochromocytoma/paraganglioma syndrome 5; Mitochondrial complex II deficiency, nuclear type 1. Last evaluated: 2023-09-04. Review status: criteria provided, single submitter. Criteria: Invitae Variant Classification Sherloc (09022015). Collection method: clinical testing. Allele origin: germline.
Comment: This sequence change replaces isoleucine, which is neutral and non-polar, with valine, which is neutral and non-polar, at codon 317 of the SDHA protein (p.Ile317Val). In summary, the available evidence is currently insufficient to determine the role of this variant in disease. Therefore, it has been classified as a Variant of Uncertain Significance. Advanced modeling of protein sequence and biophysical properties (such as structural, functional, and spatial information, amino acid conservation, physicochemical variation, residue mobility, and thermodynamic stability) performed at Invitae indicates that this missense variant is not expected to disrupt SDHA protein function. This variant has not been reported in the literature in individuals affected with SDHA-related conditions. This variant is not present in population databases (gnomAD no frequency).